The following is an entry in ClinVar:

ClinVar aggregate classification (germline): Uncertain significance (1 of 4 stars; one submission).

Submission:

Labcorp Genetics (formerly Invitae), Labcorp
Classification: Uncertain significance. Last evaluated: 2022-01-06. Review status: criteria provided, single submitter. Criteria: Invitae Variant Classification Sherloc (09022015). Collection method: clinical testing. Allele origin: germline.
Comment: This variant has not been reported in the literature in individuals affected with LARS2-related conditions. This sequence change replaces proline, which is neutral and non-polar, with histidine, which is basic and polar, at codon 493 of the LARS2 protein (p.Pro493His). This variant is not present in population databases (gnomAD no frequency). Algorithms developed to predict the effect of missense changes on protein structure and function are either unavailable or do not agree on the potential impact of this missense change (SIFT: "Deleterious"; PolyPhen-2: "Benign"; Align-GVGD: "Class C0"). In summary, the available evidence is currently insufficient to determine the role of this variant in disease. Therefore, it has been classified as a Variant of Uncertain Significance.

NM_015340.4(LARS2):c.1478C>A (p.Pro493His)

Genes: LARS2 (leucyl-tRNA synthetase 2, mitochondrial; plus strand), LARS2-AS1 (LARS2 antisense RNA 1; minus strand). Cytogenetic location: 3p21.31.
Variant type: single nucleotide variant.
Coding change: c.1478C>A on transcript NM_015340.4 (MANE Select); coding-DNA position 1478, C replaced by A.
Protein change: p.Pro493His; replaces proline 493 with histidine.
Molecular consequence: missense variant.
Genome position (GRCh38, 1-based): chr3:45,491,755, C>A. VCF-style: chr3-45491755-C-A. GRCh37 (hg19) VCF-style: chr3-45533247-C-A.
Other names: c.1478C>A, p.Pro493His (NM_001368263.1); short protein forms P493H.
Identifiers: ClinVar variation 2076639 (VCV002076639.4), dbSNP rs1424827018, ClinGen allele CA352426245.
Genomic context (GRCh38, chr3:45,491,755, plus strand): 5'-CCCTGGAGGACTTGCCTGTGACCCTGCCCAACATCGCGTCTTTCACTGGCAAGGGAGGCC[C>A]CCCACTGGCCATGGCTTCAGAGTGGGTGAACTGCTCCTGCCCAAGGTAAGGAGCCACATC-3'
Protein context (NP_056155.1, residues 483-503): NIASFTGKGG[Pro493His]PLAMASEWVN